The following is an entry in ClinVar:

ClinVar aggregate classification (germline): Uncertain significance. Review status: criteria provided, multiple submitters, no conflicts (2 of 4 stars). 2 submissions from 2 submitters: Uncertain significance (2). Last evaluated 2025-06-22.

gnomAD v4.1: 10 of 1,210,268 alleles (0.00083%); highest among the groups gnomAD compares: Admixed American, 0.0087%; no homozygotes.

Submissions (2):

Ambry Genetics
Classification: Uncertain significance. Last evaluated: 2025-06-22. Review status: criteria provided, single submitter. Criteria: Ambry Variant Classification Scheme 2023. Collection method: clinical testing. Allele origin: germline.

Labcorp Genetics (formerly Invitae), Labcorp
Classification: Uncertain significance. Last evaluated: 2025-05-04. Review status: criteria provided, single submitter. Criteria: Invitae Variant Classification Sherloc (09022015). Collection method: clinical testing. Allele origin: germline.
Comment: This sequence change replaces aspartic acid, which is acidic and polar, with asparagine, which is neutral and polar, at codon 508 of the SH3KBP1 protein (p.Asp508Asn). This variant is not present in population databases (gnomAD no frequency). This variant has not been reported in the literature in individuals affected with SH3KBP1-related conditions. ClinVar contains an entry for this variant (Variation ID: 3665571). Invitae Evidence Modeling of protein sequence and biophysical properties (such as structural, functional, and spatial information, amino acid conservation, physicochemical variation, residue mobility, and thermodynamic stability) indicates that this missense variant is not expected to disrupt SH3KBP1 protein function with a negative predictive value of 80%. In summary, the available evidence is currently insufficient to determine the role of this variant in disease. Therefore, it has been classified as a Variant of Uncertain Significance.

NM_031892.3(SH3KBP1):c.1522G>A (p.Asp508Asn)

Gene: SH3KBP1 (SH3 domain containing kinase binding protein 1; minus strand). Cytogenetic location: Xp22.12.
Variant type: single nucleotide variant.
Coding change: c.1522G>A on transcript NM_031892.3 (MANE Select); coding-DNA position 1522, G replaced by A.
Protein change: p.Asp508Asn; replaces aspartic acid 508 with asparagine.
Molecular consequence: missense variant. On other transcripts: intron variant (7).
Genome position (GRCh38, 1-based): chrX:19,546,023, C>T on the plus strand (G>A on the coding strand, the complement: SH3KBP1 is on the minus strand). VCF-style: chrX-19546023-C-T. GRCh37 (hg19) VCF-style: chrX-19564141-C-T.
Other names: c.1522G>A (NM_031892.2); c.1411G>A, p.Asp471Asn (NM_001024666.3); c.808G>A, p.Asp270Asn (NM_001184960.2); c.1597G>A, p.Asp533Asn (NM_001353891.2); c.1420G>A, p.Asp474Asn (NM_001353893.2); c.1654G>A, p.Asp552Asn (NM_001410756.1); c.1495-3830G>A (NM_001353890.2); c.1570-3830G>A (NM_001353892.2); and 5 more; short protein forms D474N, D270N, D471N, D533N, D552N, D508N.
Identifiers: ClinVar variation 3665571 (VCV003665571.3).